The following is an entry in ClinVar:

NM_017849.4(TMEM127):c.7G>A (p.Ala3Thr)

Genes: TMEM127 (transmembrane protein 127; minus strand), LOC129934333 (ATAC-STARR-seq lymphoblastoid silent region 11759; plus strand). Cytogenetic location: 2q11.2.
Variant type: single nucleotide variant.
Coding change: c.7G>A on transcript NM_017849.4 (MANE Select); coding-DNA position 7, G replaced by A.
Protein change: p.Ala3Thr; replaces alanine 3 with threonine.
Molecular consequence: missense variant. On other transcripts: intron variant (1).
Genome position (GRCh38, 1-based): chr2:96,265,375, C>T on the plus strand (G>A on the coding strand, the complement: TMEM127 is on the minus strand). VCF-style: chr2-96265375-C-T. GRCh37 (hg19) VCF-style: chr2-96931113-C-T.
Other names: c.7G>A, p.Ala3Thr (NM_001193304.3); c.-9+494G>A (NM_001407283.1); short protein forms A3T.
Identifiers: ClinVar variation 4185918 (VCV004185918.1).

ClinVar aggregate classification (germline): Uncertain significance (1 of 4 stars; one submission).

Conditions:
Hereditary cancer-predisposing syndrome. Also called: Neoplastic Syndromes, Hereditary; Tumor predisposition; Hereditary Cancer Syndrome; Hereditary neoplastic syndrome. Identifiers: Orphanet 140162, MedGen C0027672, MeSH D009386, MONDO:0015356.

gnomAD v4.1: 1 of 1,423,566 alleles (0.00007%); highest among the groups gnomAD compares: Non-Finnish European, 0.000091%; no homozygotes.

Submission:

Ambry Genetics
Classification: Uncertain significance for Hereditary cancer-predisposing syndrome. Last evaluated: 2025-09-02. Review status: criteria provided, single submitter. Criteria: Ambry Variant Classification Scheme 2023. Collection method: clinical testing. Allele origin: germline.
Comment: The p.A3T variant (also known as c.7G>A), located in coding exon 1 of the TMEM127 gene, results from a G to A substitution at nucleotide position 7. The alanine at codon 3 is replaced by threonine, an amino acid with similar properties. This amino acid position is well conserved in available vertebrate species. In addition, the in silico prediction for this alteration is inconclusive. Based on the available evidence, the clinical significance of this variant remains unclear.